The following is an entry in ClinVar:

NM_033409.4(SLC52A3):c.521A>G (p.Asp174Gly)

Gene: SLC52A3 (solute carrier family 52 member 3; minus strand). Cytogenetic location: 20p13.
Variant type: single nucleotide variant.
Coding change: c.521A>G on transcript NM_033409.4 (MANE Select); coding-DNA position 521, A replaced by G.
Protein change: p.Asp174Gly; replaces aspartic acid 174 with glycine.
Molecular consequence: missense variant.
Genome position (GRCh38, 1-based): chr20:765,254, T>C on the plus strand (A>G on the coding strand, the complement: SLC52A3 is on the minus strand). VCF-style: chr20-765254-T-C. GRCh37 (hg19) VCF-style: chr20-745898-T-C.
Other names: c.521A>G, p.Asp174Gly (NM_001370085.1, NM_001370086.1); short protein forms D174G.
Identifiers: ClinVar variation 476611 (VCV000476611.21), dbSNP rs6054614, ClinGen allele CA9724760.

ClinVar aggregate classification (germline): Benign/Likely benign. Review status: criteria provided, multiple submitters, no conflicts (2 of 4 stars). 6 submissions from 6 submitters: Benign (4); Likely benign (2). Last evaluated 2026-01-27.

Conditions:
Brown-Vialetto-van Laere syndrome 1. Also called: BROWN-VIALETTO-VAN LAERE SYNDROME 1, MILD; BULBAR PALSY, PROGRESSIVE, WITH SENSORINEURAL DEAFNESS; PONTOBULBAR PALSY WITH DEAFNESS. Identifiers: Orphanet 572550, Orphanet 97229, MedGen C0796274, MONDO:0024537, OMIM 211530.

Allele frequency attached by ClinVar (database versions not stated): TOPMed 0.01107; gnomAD exomes 0.00096 and 0.00271; ExAC 0.00340; ESP Exome Variant Server 0.01092; 1000 Genomes Project 30x 0.01374; gnomAD 0.00971 and 0.01033; 1000 Genomes Project 0.01318.

Submissions (6):

Labcorp Genetics (formerly Invitae), Labcorp
Classification: Benign for Brown-Vialetto-van Laere syndrome 1. Last evaluated: 2026-01-27. Review status: criteria provided, single submitter. Criteria: Invitae Variant Classification Sherloc (09022015). Collection method: clinical testing. Allele origin: germline.

ARUP Laboratories, Molecular Genetics and Genomics, ARUP Laboratories
Classification: Benign. Last evaluated: 2023-09-21. Review status: criteria provided, single submitter. Criteria: ARUP Molecular Germline Variant Investigation Process 2024. Collection method: clinical testing. Allele origin: germline.

Mayo Clinic Laboratories, Mayo Clinic
Classification: Benign. Last evaluated: 2023-06-14. Review status: criteria provided, single submitter. Criteria: ACMG Guidelines, 2015. Collection method: clinical testing. Allele origin: germline. Observed: 8 variant alleles.
Comment: BA1, BP4

GeneDx
Classification: Likely benign. Last evaluated: 2020-12-16. Review status: criteria provided, single submitter. Criteria: GeneDx Variant Classification Process June 2021. Collection method: clinical testing. Allele origin: germline. Affected: yes.

Laboratory for Molecular Medicine, Mass General Brigham Personalized Medicine
Classification: Benign. Last evaluated: 2017-08-23. Review status: criteria provided, single submitter. Criteria: LMM Criteria. Collection method: clinical testing. Allele origin: germline. Observed: 1 variant allele.
Comment: p.Asp174Gly in exon 2 of SLC52A3: This variant is not expected to have clinical significance because it has been identified in 3.72% (386/10376) of African chro mosomes by the Exome Aggregation Consortium (ExAC, g; dbSNP rs6054614).

Breakthrough Genomics
Classification: Likely benign. Review status: criteria provided, single submitter. Criteria: ACMG Guidelines, 2015. Collection method: not provided. Allele origin: germline. Inheritance: Autosomal recessive inheritance. Affected: yes.